The following is an entry in ClinVar:

NM_014915.3(ANKRD26):c.3613G>C (p.Glu1205Gln)

Gene: ANKRD26 (ankyrin repeat domain 26; minus strand). Cytogenetic location: 10p12.1.
Variant type: single nucleotide variant.
Coding change: c.3613G>C on transcript NM_014915.3 (MANE Select); coding-DNA position 3613, G replaced by C.
Protein change: p.Glu1205Gln; replaces glutamic acid 1205 with glutamine.
Molecular consequence: missense variant.
Genome position (GRCh38, 1-based): chr10:27,034,837, C>G on the plus strand (G>C on the coding strand, the complement: ANKRD26 is on the minus strand). VCF-style: chr10-27034837-C-G. GRCh37 (hg19) VCF-style: chr10-27323766-C-G.
Other names: c.3610G>C, p.Glu1204Gln (NM_001256053.2); short protein forms E1204Q, E1205Q.
Identifiers: ClinVar variation 2802970 (VCV002802970.4), dbSNP rs1564373578, ClinGen allele CA376362519.
Genomic context (GRCh38, chr10:27,034,837, plus strand): 5'-TATCTTTCTTGATACTTACTTCTCTTTCTGCCTTTTCATTTTCATATTGATACTGTCTTT[C>G]TTTTAAGTGATTACATTCACTGATTAACTCCTTATTTCTTTCTTCTAGCAGAAGACTTTG-3'
Protein context (NP_055730.2, residues 1195-1215): ELISECNHLK[Glu1205Gln]RQYQYENEKA

ClinVar aggregate classification (germline): Uncertain significance. Review status: criteria provided, multiple submitters, no conflicts (2 of 4 stars). 2 submissions from 2 submitters: Uncertain significance (2). Last evaluated 2025-04-05.

Conditions:
Inborn genetic diseases. Identifiers: MedGen C0950123, MeSH D030342.

Allele frequency attached by ClinVar (database versions not stated): gnomAD exomes below 0.00001.
gnomAD v4.1: 1 of 1,610,252 alleles (0.000062%); highest among the groups gnomAD compares: Admixed American, 0.0017%; no homozygotes.

Submissions (2):

Ambry Genetics
Classification: Uncertain significance for Inborn genetic diseases. Last evaluated: 2025-04-05. Review status: criteria provided, single submitter. Criteria: Ambry Variant Classification Scheme 2023. Collection method: clinical testing. Allele origin: germline.
Comment: The p.E1205Q variant (also known as c.3613G>C), located in coding exon 24 of the ANKRD26 gene, results from a G to C substitution at nucleotide position 3613. The glutamic acid at codon 1205 is replaced by glutamine, an amino acid with highly similar properties. This amino acid position is conserved. In addition, this alteration is predicted to be tolerated by in silico analysis. Based on the available evidence, the clinical significance of this variant remains unclear.

Labcorp Genetics (formerly Invitae), Labcorp
Classification: Uncertain significance. Last evaluated: 2023-09-20. Review status: criteria provided, single submitter. Criteria: Invitae Variant Classification Sherloc (09022015). Collection method: clinical testing. Allele origin: germline.
Comment: This sequence change replaces glutamic acid, which is acidic and polar, with glutamine, which is neutral and polar, at codon 1205 of the ANKRD26 protein (p.Glu1205Gln). This variant is present in population databases (no rsID available, gnomAD 0.003%). In summary, the available evidence is currently insufficient to determine the role of this variant in disease. Therefore, it has been classified as a Variant of Uncertain Significance. An algorithm developed to predict the effect of missense changes on protein structure and function (PolyPhen-2) suggests that this variant is likely to be disruptive. This variant has not been reported in the literature in individuals affected with ANKRD26-related conditions.